The following is an entry in ClinVar:

NM_015030.2(FRYL):c.1198C>T (p.Arg400Cys)

Gene: FRYL (FRY like transcription coactivator; minus strand). Cytogenetic location: 4p11.
Variant type: single nucleotide variant.
Coding change: c.1198C>T on transcript NM_015030.2 (MANE Select); coding-DNA position 1198, C replaced by T.
Protein change: p.Arg400Cys; replaces arginine 400 with cysteine.
Molecular consequence: missense variant.
Genome position (GRCh38, 1-based): chr4:48,595,640, G>A on the plus strand (C>T on the coding strand, the complement: FRYL is on the minus strand). VCF-style: chr4-48595640-G-A. GRCh37 (hg19) VCF-style: chr4-48597657-G-A.
Other names: short protein forms R400C.
Identifiers: ClinVar variation 3673924 (VCV003673924.2).

ClinVar aggregate classification (germline): Uncertain significance (1 of 4 stars; one submission).

Submission:

Labcorp Genetics (formerly Invitae), Labcorp
Classification: Uncertain significance. Last evaluated: 2024-12-22. Review status: criteria provided, single submitter. Criteria: Invitae Variant Classification Sherloc (09022015). Collection method: clinical testing. Allele origin: germline.
Comment: This sequence change replaces arginine, which is basic and polar, with cysteine, which is neutral and slightly polar, at codon 400 of the FRYL protein (p.Arg400Cys). This variant is present in population databases (no rsID available, gnomAD 0.003%). This variant has not been reported in the literature in individuals affected with FRYL-related conditions. An algorithm developed to predict the effect of missense changes on protein structure and function (PolyPhen-2) suggests that this variant is likely to be disruptive. In summary, the available evidence is currently insufficient to determine the role of this variant in disease. Therefore, it has been classified as a Variant of Uncertain Significance.